The following is an entry in ClinVar:

NM_004612.4(TGFBR1):c.779T>C (p.Leu260Pro)

Gene: TGFBR1 (transforming growth factor beta receptor 1; plus strand). Cytogenetic location: 9q22.33.
Variant type: single nucleotide variant.
Coding change: c.779T>C on transcript NM_004612.4 (MANE Select); coding-DNA position 779, T replaced by C.
Protein change: p.Leu260Pro; replaces leucine 260 with proline.
Molecular consequence: missense variant.
Genome position (GRCh38, 1-based): chr9:99,138,063, T>C. VCF-style: chr9-99138063-T-C. GRCh37 (hg19) VCF-style: chr9-101900345-T-C.
Other names: c.548T>C, p.Leu183Pro (NM_001130916.3); c.791T>C, p.Leu264Pro (NM_001306210.2); short protein forms L183P, L264P, L260P.
Identifiers: ClinVar variation 954377 (VCV000954377.10), dbSNP rs397517033, ClinGen allele CA374230285.

ClinVar aggregate classification (germline): Uncertain significance (1 of 4 stars; one submission).

Conditions:
Familial thoracic aortic aneurysm and aortic dissection (TAAD). Also called: Thoracic aortic aneurysms and dissections. Identifiers: Orphanet 91387, MedGen C4707243, MONDO:0019625.

Submission:

Labcorp Genetics (formerly Invitae), Labcorp
Classification: Uncertain significance for Familial thoracic aortic aneurysm and aortic dissection. Last evaluated: 2024-04-18. Review status: criteria provided, single submitter. Criteria: Invitae Variant Classification Sherloc (09022015). Collection method: clinical testing. Allele origin: germline.
Comment: This sequence change replaces leucine, which is neutral and non-polar, with proline, which is neutral and non-polar, at codon 260 of the TGFBR1 protein (p.Leu260Pro). This variant is not present in population databases (gnomAD no frequency). This variant has not been reported in the literature in individuals affected with TGFBR1-related conditions. ClinVar contains an entry for this variant (Variation ID: 954377). Advanced modeling of protein sequence and biophysical properties (such as structural, functional, and spatial information, amino acid conservation, physicochemical variation, residue mobility, and thermodynamic stability) performed at Invitae indicates that this missense variant is expected to disrupt TGFBR1 protein function with a positive predictive value of 80%. In summary, the available evidence is currently insufficient to determine the role of this variant in disease. Therefore, it has been classified as a Variant of Uncertain Significance.